The following is an entry in ClinVar:

NM_005101.4(ISG15):c.225G>A (p.Val75=)

Gene: ISG15 (ISG15 ubiquitin like modifier; plus strand). Cytogenetic location: 1p36.33.
Variant type: single nucleotide variant.
Coding change: c.225G>A on transcript NM_005101.4 (MANE Select); coding-DNA position 225, G replaced by A.
Protein change: p.Val75=; no amino-acid change (valine 75 retained).
Molecular consequence: synonymous variant.
Genome position (GRCh38, 1-based): chr1:1,014,205, G>A. VCF-style: chr1-1014205-G-A. GRCh37 (hg19) VCF-style: chr1-949585-G-A.
Other names: c.225G>A (NM_005101.3).
Identifiers: ClinVar variation 2895660 (VCV002895660.5), dbSNP rs531701644, ClinGen allele CA507650.

ClinVar aggregate classification (germline): Likely benign. Review status: criteria provided, single submitter (1 of 4 stars). 2 submissions from 2 submitters: Likely benign (1). 1 of the submissions does not count toward it. Last evaluated 2026-01-02.

Conditions:
Mendelian susceptibility to mycobacterial diseases due to complete ISG15 deficiency. Also called: Immunodeficiency 38; IMMUNODEFICIENCY 38, MYCOBACTERIOSIS, AUTOSOMAL RECESSIVE; ISG15 DEFICIENCY, AUTOSOMAL RECESSIVE; Immunodeficiency 38 with basal ganglia calcification. Identifiers: Orphanet 319563, MedGen C4015293, MONDO:0014502, OMIM 616126.
ISG15-related disorder. Also called: ISG15-related condition.

Allele frequency attached by ClinVar (database versions not stated): gnomAD 0.00009; 1000 Genomes Project 0.00020; ExAC 0.00002; gnomAD exomes below 0.00001; TOPMed 0.00007; 1000 Genomes Project 30x 0.00016.
gnomAD v4.1: 18 of 1,613,518 alleles (0.0011%); highest among the groups gnomAD compares: African/African-American, 0.024%; no homozygotes.

Submissions (2):

Labcorp Genetics (formerly Invitae), Labcorp
Classification: Likely benign for Mendelian susceptibility to mycobacterial diseases due to complete ISG15 deficiency. Last evaluated: 2026-01-02. Review status: criteria provided, single submitter. Criteria: Invitae Variant Classification Sherloc (09022015). Collection method: clinical testing. Allele origin: germline.

PreventionGenetics, part of Exact Sciences
Classification: Likely benign for ISG15-related condition. Last evaluated: 2022-03-31. Review status: no assertion criteria provided. Collection method: clinical testing. Allele origin: germline. Not counted in ClinVar's aggregate classification.
Comment: This variant is classified as likely benign based on ACMG/AMP sequence variant interpretation guidelines (Richards et al. 2015 PMID: 25741868, with internal and published modifications).